The following is an entry in ClinVar:

NM_001289104.2(PRKCSH):c.351-2A>G

Gene: PRKCSH (PRKCSH beta subunit of glucosidase II; plus strand). Cytogenetic location: 19p13.2.
Variant type: single nucleotide variant.
Coding change: c.351-2A>G on transcript NM_001289104.2 (MANE Select); the canonical splice acceptor site of the intron before coding-DNA position 351, A replaced by G.
Molecular consequence: splice acceptor variant.
Genome position (GRCh38, 1-based): chr19:11,441,238, A>G. VCF-style: chr19-11441238-A-G. GRCh37 (hg19) VCF-style: chr19-11552053-A-G.
Other names: c.351-2A>G (NM_001289103.2, NM_001379609.1, NM_001379608.1 and 3 more transcripts).
Identifiers: ClinVar variation 3686768 (VCV003686768.2).

ClinVar aggregate classification (germline): Likely pathogenic (1 of 4 stars; one submission).

Submission:

Labcorp Genetics (formerly Invitae), Labcorp
Classification: Likely pathogenic. Last evaluated: 2024-12-17. Review status: criteria provided, single submitter. Criteria: Invitae Variant Classification Sherloc (09022015). Collection method: clinical testing. Allele origin: germline.
Comment: This sequence change affects an acceptor splice site in intron 5 of the PRKCSH gene. It is expected to disrupt RNA splicing. Variants that disrupt the donor or acceptor splice site typically lead to a loss of protein function (PMID: 16199547), and loss-of-function variants in PRKCSH are known to be pathogenic (PMID: 12529853, 12577059, 20095989). This variant is not present in population databases (gnomAD no frequency). This variant has not been reported in the literature in individuals affected with PRKCSH-related conditions. Algorithms developed to predict the effect of sequence changes on RNA splicing suggest that this variant may disrupt the consensus splice site. In summary, the currently available evidence indicates that the variant is pathogenic, but additional data are needed to prove that conclusively. Therefore, this variant has been classified as Likely Pathogenic.

Literature cited by the submitters: PubMed 16199547; PubMed 12529853; PubMed 12577059; PubMed 20095989.